The following is an entry in ClinVar:

NM_001142800.2(EYS):c.2992+1G>A

Gene: EYS (EGF-like photoreceptor maintenance factor; minus strand). Cytogenetic location: 6q12.
Variant type: single nucleotide variant.
Coding change: c.2992+1G>A on transcript NM_001142800.2 (MANE Select); the canonical splice donor site of the intron after coding-DNA position 2992, G replaced by A.
Molecular consequence: splice donor variant.
Genome position (GRCh38, 1-based): chr6:64,886,696, C>T on the plus strand (G>A on the coding strand, the complement: EYS is on the minus strand). VCF-style: chr6-64886696-C-T. GRCh37 (hg19) VCF-style: chr6-65596589-C-T.
Other names: c.2992+1G>A (NM_001142800.1, NM_001292009.2).
Identifiers: ClinVar variation 1799511 (VCV001799511.3), dbSNP rs2533321017, ClinGen allele CA364788594.

ClinVar aggregate classification (germline): Pathogenic/Likely pathogenic. Review status: criteria provided, multiple submitters, no conflicts (2 of 4 stars). 3 submissions from 3 submitters: Pathogenic (1); Likely pathogenic (2). Last evaluated 2025-12-22.

Conditions:
Retinitis pigmentosa 25 (RP25). Identifiers: Orphanet 791, MedGen C1864446, MONDO:0011272, OMIM 602772.

Submissions (3):

Myriad Genetics, Inc.
Classification: Likely pathogenic for Retinitis pigmentosa 25. Last evaluated: 2025-12-22. Review status: criteria provided, single submitter. Criteria: Myriad Autosomal Dominant, Autosomal Recessive and X-Linked Classification Criteria (2023). Collection method: clinical testing. Allele origin: unknown.
Comment: NM_001142800.1(EYS):c.2992+1G>A is a variant in a canonical splice site classified as likely pathogenic in the context of retinitis pigmentosa, EYS-related. c.2992+1G>A has been observed in cases with relevant disease (PMID: 29550188, 36513702). Relevant functional assessments of this variant are not available in the literature. c.2992+1G>A has not been observed in referenced population frequency databases. In summary, NM_001142800.1(EYS):c.2992+1G>A is a variant in a canonical splice site in a gene where loss of function is a known mechanism of disease, is predicted to disrupt protein function, and has been observed more frequently in cases with the relevant disease than in healthy populations. Please note: this variant was assessed in the context of healthy population screening.

Natera, Inc.
Classification: Pathogenic for Retinitis pigmentosa type 25. Last evaluated: 2025-09-15. Review status: criteria provided, single submitter. Criteria: Natera Variant Classification Schema (03/2026). Collection method: clinical testing. Allele origin: germline.
Comment: The c.2992+1G>A variant in EYS is a canonical splice donor site variant predicted to affect pre-mRNA splicing, which may result in an abnormal transcript and altered protein product. This variant is expected to result in nonsense mediated decay, truncation, or a dysfunctional protein product. This variant is rare in the general population with a frequency below the threshold expected for the associated phenotype(s). This variant has been observed in one or more individuals affected with the associated recessive disease, as either homozygous or compound heterozygous with a second variant (PMID: 35672425). Given the available evidence, this variant is classified as Pathogenic.

Siriraj Ophthalmic Genetics Research, Faculty of Medicine Siriraj Hospital, Mahidol University
Classification: Likely pathogenic for Retinitis pigmentosa 25. Last evaluated: 2022-05-01. Review status: criteria provided, single submitter. Criteria: ACMG Guidelines, 2015. Collection method: research. Allele origin: germline. Affected: yes. Observed: 1 compound heterozygote.

Literature cited by the submitters: PubMed 29550188 (cited by Myriad Genetics, Inc.); PubMed 36513702 (cited by Myriad Genetics, Inc.); PubMed 35672425 (cited by Natera, Inc.).